The following is an entry in ClinVar:

ClinVar aggregate classification (germline): Conflicting classifications of pathogenicity. Review status: criteria provided, conflicting classifications (1 of 4 stars). 5 submissions from 5 submitters: Uncertain significance (1); Likely benign (3). 1 of the submissions does not count toward it. Last evaluated 2026-02-01.

Conditions:
USH1C-related disorder. Also called: USH1C-related condition.
Usher syndrome type 1C. Also called: USHER SYNDROME, TYPE I, ACADIAN VARIETY. Identifiers: Orphanet 231169, Orphanet 886, MedGen C1848604, MONDO:0010171, OMIM 276904.

Allele frequency attached by ClinVar (database versions not stated): ExAC 0.00002; gnomAD exomes 0.00002 and 0.00004; gnomAD 0.00003; TOPMed 0.00003.
gnomAD v4.1: 39 of 1,613,958 alleles (0.0024%); highest among the groups gnomAD compares: Admixed American, 0.017%; no homozygotes.

Submissions (5):

CeGaT Center for Human Genetics Tuebingen
Classification: Likely benign. Last evaluated: 2026-02-01. Review status: criteria provided, single submitter. Criteria: CeGaT Center For Human Genetics Tuebingen Variant Classification Criteria Version 2. Collection method: clinical testing. Allele origin: germline. Affected: yes. Observed: 1 variant allele.
Comment: USH1C: BP4, BP7

Labcorp Genetics (formerly Invitae), Labcorp
Classification: Likely benign. Last evaluated: 2026-01-05. Review status: criteria provided, single submitter. Criteria: Invitae Variant Classification Sherloc (09022015). Collection method: clinical testing. Allele origin: germline.

Blueprint Genetics
Classification: Likely benign. Last evaluated: 2024-02-09. Review status: criteria provided, single submitter. Criteria: ACMG Guidelines, 2015. Collection method: clinical testing. Allele origin: germline.

Illumina Laboratory Services, Illumina
Classification: Uncertain significance for Usher syndrome type 1C. Last evaluated: 2018-01-12. Review status: criteria provided, single submitter. Criteria: ICSL Variant Classification Criteria 13 December 2019. Collection method: clinical testing. Allele origin: germline.

PreventionGenetics, part of Exact Sciences
Classification: Likely benign for USH1C-related condition. Last evaluated: 2021-02-11. Review status: no assertion criteria provided. Collection method: clinical testing. Allele origin: germline. Not counted in ClinVar's aggregate classification.
Comment: This variant is classified as likely benign based on ACMG/AMP sequence variant interpretation guidelines (Richards et al. 2015 PMID: 25741868, with internal and published modifications).

NM_153676.4(USH1C):c.570G>A (p.Ser190=)

Gene: USH1C (USH1 protein network component harmonin; minus strand). Cytogenetic location: 11p15.1.
Variant type: single nucleotide variant.
Coding change: c.570G>A on transcript NM_153676.4 (MANE Select); coding-DNA position 570, G replaced by A.
Protein change: p.Ser190=; no amino-acid change (serine 190 retained).
Molecular consequence: synonymous variant. On other transcripts: non-coding transcript variant (1).
Genome position (GRCh38, 1-based): chr11:17,526,762, C>T on the plus strand (G>A on the coding strand, the complement: USH1C is on the minus strand). VCF-style: chr11-17526762-C-T. GRCh37 (hg19) VCF-style: chr11-17548309-C-T.
Other names: c.570G>A, p.Ser190= (NM_001297764.2, NM_005709.4); c.570G>A (NM_153676.3).
Identifiers: ClinVar variation 733419 (VCV000733419.21), dbSNP rs756709989, ClinGen allele CA5904974.